The following is an entry in ClinVar:

ClinVar aggregate classification (germline): Likely benign. Review status: criteria provided, multiple submitters, no conflicts (2 of 4 stars). 3 submissions from 3 submitters: Likely benign (3). Last evaluated 2026-01-26.

Conditions:
COL4A1-related disorder. Also called: COL4A1-related condition; COL4A1-related disorders. Identifiers: MedGen CN376119, MONDO:0800461.

Allele frequency attached by ClinVar (database versions not stated): ExAC 0.00002; gnomAD exomes 0.00002; TOPMed 0.00002; ESP Exome Variant Server 0.00008.
gnomAD v4.1: 130 of 1,613,998 alleles (0.0081%); highest among the groups gnomAD compares: Non-Finnish European, 0.011%; no homozygotes.

Submissions (3):

PreventionGenetics, part of Exact Sciences
Classification: Likely benign for COL4A1-related condition. Last evaluated: 2026-01-26. Review status: criteria provided, single submitter. Criteria: ACMG Guidelines, 2015. Collection method: clinical testing. Allele origin: germline.
Comment: This variant is classified as likely benign based on ACMG/AMP sequence variant interpretation guidelines (Richards et al. 2015 PMID: 25741868, with internal and published modifications).

Labcorp Genetics (formerly Invitae), Labcorp
Classification: Likely benign. Last evaluated: 2025-06-20. Review status: criteria provided, single submitter. Criteria: Invitae Variant Classification Sherloc (09022015). Collection method: clinical testing. Allele origin: germline.

Blueprint Genetics
Classification: Likely benign. Last evaluated: 2023-02-23. Review status: criteria provided, single submitter. Criteria: ACMG Guidelines, 2015. Collection method: clinical testing. Allele origin: germline.

NM_001845.6(COL4A1):c.204T>A (p.Pro68=)

Gene: COL4A1 (collagen type IV alpha 1 chain; minus strand). Cytogenetic location: 13q34.
Variant type: single nucleotide variant.
Coding change: c.204T>A on transcript NM_001845.6 (MANE Select); coding-DNA position 204, T replaced by A.
Protein change: p.Pro68=; no amino-acid change (proline 68 retained).
Molecular consequence: synonymous variant.
Genome position (GRCh38, 1-based): chr13:110,213,956, A>T on the plus strand (T>A on the coding strand, the complement: COL4A1 is on the minus strand). VCF-style: chr13-110213956-A-T. GRCh37 (hg19) VCF-style: chr13-110866303-A-T.
Other names: c.204T>A (NM_001845.5); c.204T>A, p.Pro68= (NM_001303110.2).
Identifiers: ClinVar variation 1157197 (VCV001157197.11), dbSNP rs370425696, ClinGen allele CA7048638.
Genomic context (GRCh38, chr13:110,213,956, plus strand): 5'-ACCCACCCCCAATCCCACAGCCGTGCTTACCTTTTGTCCTGGTGGTCCCTGTGGCCCCTC[A>T]GGTCCTTGCATTCCAGGAAACCCAATGACACCTTGTAACCCCGGGAGGCCTCTTTCACCC-3'
Protein context (NP_001836.3, residues 58-78): GVIGFPGMQG[Pro68=]EGPQGPPGQK